The following is an entry in ClinVar:

NM_001267550.2(TTN):c.40927+3G>A

Gene: TTN (titin; minus strand). Cytogenetic location: 2q31.2.
Variant type: single nucleotide variant.
Coding change: c.40927+3G>A on transcript NM_001267550.2 (MANE Select); 3 bases into the intron after coding-DNA position 40927, G replaced by A.
Molecular consequence: intron variant.
Genome position (GRCh38, 1-based): chr2:178,637,366, C>T on the plus strand (G>A on the coding strand, the complement: TTN is on the minus strand). VCF-style: chr2-178637366-C-T. GRCh37 (hg19) VCF-style: chr2-179502093-C-T.
Other names: c.13732+3G>A (NM_003319.4); c.14308+3G>A (NM_133437.4); c.14107+3G>A (NM_133432.3); c.33223+3G>A (NM_133378.4); c.36004+3G>A (NM_001256850.1).
Identifiers: ClinVar variation 1414603 (VCV001414603.8), dbSNP rs2154233434, ClinGen allele CA2573133868.

ClinVar aggregate classification (germline): Uncertain significance (1 of 4 stars; one submission).

Conditions:
Dilated cardiomyopathy 1G (CMD1G). Identifiers: Orphanet 154, MedGen C1858763, MONDO:0011400, OMIM 604145.
Autosomal recessive limb-girdle muscular dystrophy type 2J (LGMDR10). Also called: MUSCULAR DYSTROPHY, LIMB-GIRDLE, AUTOSOMAL RECESSIVE 10; Limb-girdle muscular dystrophy, type 2J. Identifiers: Orphanet 140922, MedGen C1837342, MONDO:0012127, OMIM 608807.

Submission:

Labcorp Genetics (formerly Invitae), Labcorp
Classification: Uncertain significance for Dilated cardiomyopathy 1G; Autosomal recessive limb-girdle muscular dystrophy type 2J. Last evaluated: 2024-10-25. Review status: criteria provided, single submitter. Criteria: Invitae Variant Classification Sherloc (09022015). Collection method: clinical testing. Allele origin: germline.
Comment: This sequence change falls in intron 224 of the TTN gene. It does not directly change the encoded amino acid sequence of the TTN protein. It affects a nucleotide within the consensus splice site. This variant is not present in population databases (gnomAD no frequency). This variant has not been reported in the literature in individuals affected with TTN-related conditions. ClinVar contains an entry for this variant (Variation ID: 1414603). Variants that disrupt the consensus splice site are a relatively common cause of aberrant splicing (PMID: 17576681, 9536098). Algorithms developed to predict the effect of sequence changes on RNA splicing suggest that this variant is not likely to affect RNA splicing. This variant is located in the I band of TTN (PMID: 25589632). Non-truncating variants in this region may be clinically relevant, but have not been definitively shown to cause cardiomyopathy or neuromuscular disease (PMID: 27493940, 32778822). In summary, the available evidence is currently insufficient to determine the role of this variant in disease. Therefore, it has been classified as a Variant of Uncertain Significance.

Literature cited by the submitters: PubMed 17576681; PubMed 9536098; PubMed 25589632; PubMed 27493940; PubMed 32778822.